The following is an entry in ClinVar:

ClinVar aggregate classification (germline): Uncertain significance (1 of 4 stars; one submission).

Conditions:
Inborn genetic diseases. Identifiers: MedGen C0950123, MeSH D030342.

Submission:

Ambry Genetics
Classification: Uncertain significance for Inborn genetic diseases. Last evaluated: 2025-06-08. Review status: criteria provided, single submitter. Criteria: Ambry Variant Classification Scheme 2023. Collection method: clinical testing. Allele origin: germline.
Comment: The p.M356V variant (also known as c.1066A>G), located in coding exon 8 of the BMPR2 gene, results from an A to G substitution at nucleotide position 1066. The methionine at codon 356 is replaced by valine, an amino acid with highly similar properties. This amino acid position is conserved. In addition, this alteration is predicted to be deleterious by in silico analysis. Based on the available evidence, the clinical significance of this variant remains unclear.

NM_001204.7(BMPR2):c.1066A>G (p.Met356Val)

Gene: BMPR2 (bone morphogenetic protein receptor type 2; plus strand). Cytogenetic location: 2q33.2.
Variant type: single nucleotide variant.
Coding change: c.1066A>G on transcript NM_001204.7 (MANE Select); coding-DNA position 1066, A replaced by G.
Protein change: p.Met356Val; replaces methionine 356 with valine.
Molecular consequence: missense variant.
Genome position (GRCh38, 1-based): chr2:202,530,892, A>G. VCF-style: chr2-202530892-A-G. GRCh37 (hg19) VCF-style: chr2-203395615-A-G.
Other names: short protein forms M356V.
Identifiers: ClinVar variation 3992232 (VCV003992232.1).